The following is an entry in ClinVar:

NM_000400.4(ERCC2):c.352C>T (p.His118Tyr)

Gene: ERCC2 (ERCC excision repair 2, TFIIH core complex helicase subunit; minus strand). Cytogenetic location: 19q13.32.
Variant type: single nucleotide variant.
Coding change: c.352C>T on transcript NM_000400.4 (MANE Select); coding-DNA position 352, C replaced by T.
Protein change: p.His118Tyr; replaces histidine 118 with tyrosine.
Molecular consequence: missense variant.
Genome position (GRCh38, 1-based): chr19:45,368,638, G>A on the plus strand (C>T on the coding strand, the complement: ERCC2 is on the minus strand). VCF-style: chr19-45368638-G-A. GRCh37 (hg19) VCF-style: chr19-45871896-G-A.
Other names: c.280C>T, p.His94Tyr (NM_001130867.2); short protein forms H94Y, H118Y.
Identifiers: ClinVar variation 1732347 (VCV001732347.2), dbSNP rs2514043633, ClinGen allele CA406377953.

ClinVar aggregate classification (germline): Uncertain significance (1 of 4 stars; one submission).

Conditions:
Inborn genetic diseases. Identifiers: MedGen C0950123, MeSH D030342.

gnomAD v4.1: 1 of 1,608,592 alleles (0.000062%); no homozygotes.

Submission:

Ambry Genetics
Classification: Uncertain significance for Inborn genetic diseases. Last evaluated: 2021-06-28. Review status: criteria provided, single submitter. Criteria: Ambry Variant Classification Scheme 2023. Collection method: clinical testing. Allele origin: germline.
Comment: The p.H118Y variant (also known as c.352C>T), located in coding exon 5 of the ERCC2 gene, results from a C to T substitution at nucleotide position 352. The histidine at codon 118 is replaced by tyrosine, an amino acid with similar properties. This amino acid position is conserved. In addition, the in silico prediction for this alteration is inconclusive. Since supporting evidence is limited at this time, the clinical significance of this alteration remains unclear.